The following is an entry in ClinVar:

NM_144997.7(FLCN):c.43G>A (p.Gly15Ser)

Gene: FLCN (folliculin; minus strand). Cytogenetic location: 17p11.2.
Variant type: single nucleotide variant.
Coding change: c.43G>A on transcript NM_144997.7 (MANE Select); coding-DNA position 43, G replaced by A.
Protein change: p.Gly15Ser; replaces glycine 15 with serine.
Molecular consequence: missense variant.
Genome position (GRCh38, 1-based): chr17:17,228,095, C>T on the plus strand (G>A on the coding strand, the complement: FLCN is on the minus strand). VCF-style: chr17-17228095-C-T. GRCh37 (hg19) VCF-style: chr17-17131409-C-T.
Other names: c.43G>A, p.Gly15Ser (NM_001353229.2, NM_001353230.2, NM_001353231.2 and 1 more transcripts); short protein forms G15S.
Identifiers: ClinVar variation 824865 (VCV000824865.12), dbSNP rs539468848, ClinGen allele CA8416535.
Genomic context (GRCh38, chr17:17,228,095, plus strand): 5'-TCCCATCCCCTTGAGGAAGTGGGGCGTGCAGCACCTCCGTGCAGAAGAGAGTGCGGGGGC[C>T]GTGGAGCTCGCAGAAGTGGCAGAGAGCCACGATGGCATTCATGGTGCCTTGGAGACTGCA-3'
Protein context (NP_659434.2, residues 5-25): VALCHFCELH[Gly15Ser]PRTLFCTEVL

ClinVar aggregate classification (germline): Conflicting classifications of pathogenicity. Review status: criteria provided, conflicting classifications (1 of 4 stars). 5 submissions from 5 submitters: Uncertain significance (3); Likely benign (2). Last evaluated 2024-10-22.

Conditions:
Birt-Hogg-Dube syndrome. Also called: Birt Hogg Dubé syndrome. Identifiers: Orphanet 122, MedGen C0346010, MONDO:0800444.
Birt-Hogg-Dube syndrome 1 (BHD1). Also called: FIBROFOLLICULOMAS WITH TRICHODISCOMAS AND ACROCHORDONS. Identifiers: Orphanet 122, MedGen CN375946, MONDO:0800445, OMIM 135150.
Hereditary cancer-predisposing syndrome. Also called: Neoplastic Syndromes, Hereditary; Hereditary Cancer Syndrome; Hereditary neoplastic syndrome; Tumor predisposition. Identifiers: Orphanet 140162, MedGen C0027672, MeSH D009386, MONDO:0015356.

Allele frequency attached by ClinVar (database versions not stated): gnomAD exomes 0.00002 and 0.00004; ExAC 0.00008.
gnomAD v4.1: 28 of 1,613,426 alleles (0.0017%); highest among the groups gnomAD compares: Non-Finnish European, 0.0021%; no homozygotes.

Submissions (5):

Myriad Genetics, Inc.
Classification: Likely benign for Birt-Hogg-Dube syndrome 1. Last evaluated: 2024-10-22. Review status: criteria provided, single submitter. Criteria: Myriad Autosomal Dominant, Autosomal Recessive and X-Linked Classification Criteria (2023). Collection method: clinical testing. Allele origin: unknown.
Comment: This variant is considered likely benign. This variant has been observed at a population frequency that is significantly greater than expected given the associated disease prevalence and penetrance.

Labcorp Genetics (formerly Invitae), Labcorp
Classification: Uncertain significance for Birt-Hogg-Dube syndrome. Last evaluated: 2024-07-03. Review status: criteria provided, single submitter. Criteria: Invitae Variant Classification Sherloc (09022015). Collection method: clinical testing. Allele origin: germline.
Comment: This sequence change replaces glycine, which is neutral and non-polar, with serine, which is neutral and polar, at codon 15 of the FLCN protein (p.Gly15Ser). This variant is present in population databases (rs539468848, gnomAD 0.01%). This missense change has been observed in individual(s) with chromophobe kidney tumor (PMID: 35176117). ClinVar contains an entry for this variant (Variation ID: 824865). Advanced modeling of protein sequence and biophysical properties (such as structural, functional, and spatial information, amino acid conservation, physicochemical variation, residue mobility, and thermodynamic stability) performed at Invitae indicates that this missense variant is expected to disrupt FLCN protein function with a positive predictive value of 80%. In summary, the available evidence is currently insufficient to determine the role of this variant in disease. Therefore, it has been classified as a Variant of Uncertain Significance.

GeneDx
Classification: Uncertain significance. Last evaluated: 2023-07-21. Review status: criteria provided, single submitter. Criteria: GeneDx Variant Classification Process June 2021. Collection method: clinical testing. Allele origin: germline. Affected: yes.
Comment: In silico analysis supports that this missense variant has a deleterious effect on protein structure/function; Identified in an individual with chromophobe renal tumor and family history of renal tumors in published literature (Lagerstedt-Robinson et al., 2022); This variant is associated with the following publications: (PMID: 33726816, 35176117)

ARUP Laboratories, Molecular Genetics and Genomics, ARUP Laboratories
Classification: Uncertain significance. Last evaluated: 2023-06-20. Review status: criteria provided, single submitter. Criteria: ARUP Molecular Germline Variant Investigation Process 2024. Collection method: clinical testing. Allele origin: germline.
Comment: The FLCN c.43G>A; p.Gly15Ser variant (rs539468848) is reported in the ClinVar database (Variation ID: 824865). This variant is observed in the general population with an overall allele frequency of 0.004% (11/250194 alleles) in the Genome Aggregation Database. Computational analyses predict that this variant is deleterious (REVEL: 0.901). Due to limited information, the clinical significance of this variant is uncertain at this time.

Ambry Genetics
Classification: Likely benign for Hereditary cancer-predisposing syndrome. Last evaluated: 2023-05-10. Review status: criteria provided, single submitter. Criteria: Ambry Variant Classification Scheme 2023. Collection method: clinical testing. Allele origin: germline.

Literature cited by the submitters: PubMed 35176117 (cited by Labcorp Genetics (formerly Invitae), Labcorp).